The following is an entry in ClinVar:

NM_015272.5(RPGRIP1L):c.230+835C>T

Gene: RPGRIP1L (RPGRIP1 like; minus strand). Cytogenetic location: 16q12.2.
Variant type: single nucleotide variant.
Coding change: c.230+835C>T on transcript NM_015272.5 (MANE Select); 835 bases into the intron after coding-DNA position 230, C replaced by T.
Molecular consequence: intron variant. On other transcripts: missense variant (1).
Genome position (GRCh38, 1-based): chr16:53,695,316, G>A on the plus strand (C>T on the coding strand, the complement: RPGRIP1L is on the minus strand). VCF-style: chr16-53695316-G-A. GRCh37 (hg19) VCF-style: chr16-53729228-G-A.
Other names: c.373C>T, p.Leu125Phe (NM_001328422.2); c.230+835C>T (NM_001127897.4, NM_001330538.2, NM_001308334.3); short protein forms L125F.
Identifiers: ClinVar variation 3054503 (VCV003054503.2), dbSNP rs1970673301, ClinGen allele CA395925274.

ClinVar aggregate classification (germline): Uncertain significance (0 of 4 stars; one submission).

Conditions:
RPGRIP1L-related disorder. Also called: RPGRIP1L-related disorders; RPGRIP1L-related condition. Identifiers: MedGen CN239416.

Allele frequency attached by ClinVar (database versions not stated): TOPMed below 0.00001; gnomAD 0.00001.
gnomAD v4.1: 1 of 695,842 alleles (0.00014%); highest among the groups gnomAD compares: African/African-American, 0.0018%; no homozygotes.

Submission:

PreventionGenetics, part of Exact Sciences
Classification: Uncertain significance for RPGRIP1L-related condition. Last evaluated: 2024-01-31. Review status: no assertion criteria provided. Collection method: clinical testing. Allele origin: germline.
Comment: The RPGRIP1L c.373C>T variant is predicted to result in the amino acid substitution p.Leu125Phe. To our knowledge, this variant has not been reported in the literature or in a large population database, indicating this variant is rare. At this time, the clinical significance of this variant is uncertain due to the absence of conclusive functional and genetic evidence.